The following is an entry in ClinVar:

ClinVar aggregate classification (germline): Uncertain significance (1 of 4 stars; one submission).

Conditions:
Developmental and epileptic encephalopathy, 23 (DEE23). Also called: Epileptic encephalopathy, early infantile, 23. Identifiers: Orphanet 411986, MedGen C4014492, MONDO:0014371, OMIM 615859.

Allele frequency attached by ClinVar (database versions not stated): gnomAD exomes below 0.00001; TOPMed below 0.00001; gnomAD 0.00001.
gnomAD v4.1: 8 of 1,612,866 alleles (0.0005%); highest among the groups gnomAD compares: Middle Eastern, 0.082%; no homozygotes.

Submission:

Labcorp Genetics (formerly Invitae), Labcorp
Classification: Uncertain significance for Developmental and epileptic encephalopathy, 23. Last evaluated: 2022-07-19. Review status: criteria provided, single submitter. Criteria: Invitae Variant Classification Sherloc (09022015). Collection method: clinical testing. Allele origin: germline.
Comment: This sequence change replaces isoleucine, which is neutral and non-polar, with valine, which is neutral and non-polar, at codon 1474 of the DOCK7 protein (p.Ile1474Val). This variant is not present in population databases (gnomAD no frequency). This variant has not been reported in the literature in individuals affected with DOCK7-related conditions. ClinVar contains an entry for this variant (Variation ID: 541921). Algorithms developed to predict the effect of missense changes on protein structure and function (SIFT, PolyPhen-2, Align-GVGD) all suggest that this variant is likely to be tolerated. In summary, the available evidence is currently insufficient to determine the role of this variant in disease. Therefore, it has been classified as a Variant of Uncertain Significance.

NM_001367561.1(DOCK7):c.4447A>G (p.Ile1483Val)

Gene: DOCK7 (dedicator of cytokinesis 7; minus strand). Cytogenetic location: 1p31.3.
Variant type: single nucleotide variant.
Coding change: c.4447A>G on transcript NM_001367561.1 (MANE Select); coding-DNA position 4447, A replaced by G.
Protein change: p.Ile1483Val; replaces isoleucine 1483 with valine.
Molecular consequence: missense variant.
Genome position (GRCh38, 1-based): chr1:62,507,991, T>C on the plus strand (A>G on the coding strand, the complement: DOCK7 is on the minus strand). VCF-style: chr1-62507991-T-C. GRCh37 (hg19) VCF-style: chr1-62973662-T-C.
Other names: c.4420A>G, p.Ile1474Val (NM_001271999.2, NM_001330614.2); c.4327A>G, p.Ile1443Val (NM_001272000.2, NM_001272001.2); c.4354A>G, p.Ile1452Val (NM_033407.4); short protein forms I1474V, I1452V, I1483V, I1443V.
Identifiers: ClinVar variation 541921 (VCV000541921.8), dbSNP rs1553158721, ClinGen allele CA340621248.